The following is an entry in ClinVar:

NM_001374736.1(DST):c.14670A>C (p.Lys4890Asn)

Gene: DST (dystonin; minus strand). Cytogenetic location: 6p12.1.
Variant type: single nucleotide variant.
Coding change: c.14670A>C on transcript NM_001374736.1 (MANE Select); coding-DNA position 14670, A replaced by C.
Protein change: p.Lys4890Asn; replaces lysine 4890 with asparagine.
Molecular consequence: missense variant.
Genome position (GRCh38, 1-based): chr6:56,555,811, T>G on the plus strand (A>C on the coding strand, the complement: DST is on the minus strand). VCF-style: chr6-56555811-T-G. GRCh37 (hg19) VCF-style: chr6-56420609-T-G.
Other names: p.Lys2267Asn; c.8313A>C, p.Lys2771Asn (NM_001144769.5); c.7899A>C, p.Lys2633Asn (NM_001144770.2); c.14670A>C, p.Lys4890Asn (NM_001374722.1); c.14037A>C, p.Lys4679Asn (NM_001374729.1); c.7779A>C, p.Lys2593Asn (NM_001374730.1, NM_001386100.1, NM_183380.4); c.14697A>C, p.Lys4899Asn (NM_001374734.1); c.6801A>C, p.Lys2267Asn (NM_015548.5); short protein forms K2267N, K2593N, K2633N, K2771N, K4679N, K4890N, K4899N.
Identifiers: ClinVar variation 4683200 (VCV004683200.1).

ClinVar aggregate classification (germline): Likely benign (1 of 4 stars; one submission).

gnomAD v4.1: 132 of 1,508,134 alleles (0.0088%); highest among the groups gnomAD compares: East Asian, 0.3%; no homozygotes.

Submission:

Mayo Clinic Laboratories, Mayo Clinic
Classification: Likely benign. Last evaluated: 2025-07-17. Review status: criteria provided, single submitter. Criteria: ACMG Guidelines, 2015. Collection method: clinical testing. Allele origin: germline. Observed: 1 variant allele.
Comment: BS1, BP4